The following is an entry in ClinVar:

ClinVar aggregate classification (germline): Conflicting classifications of pathogenicity. Review status: criteria provided, conflicting classifications (1 of 4 stars). 6 submissions from 6 submitters: Uncertain significance (4); Likely benign (2). Last evaluated 2026-09-21.

Conditions:
Distal myopathy with posterior leg and anterior hand involvement. Also called: WILLIAMS DISTAL MYOPATHY. Identifiers: Orphanet 63273, MedGen C3279722, MONDO:0013550, OMIM 614065.
Myofibrillar myopathy 5. Also called: Filaminopathy (type); FILAMINOPATHY, AUTOSOMAL DOMINANT. Identifiers: Orphanet 171445, MedGen C1836050, MONDO:0012289, OMIM 609524.
Dilated Cardiomyopathy, Dominant.
Hypertrophic cardiomyopathy 26. Also called: Cardiomyopathy, familial hypertrophic, 26. Identifiers: Orphanet 75249, MedGen C4310749, MONDO:0014883, OMIM 617047.
Cardiovascular phenotype. Identifiers: MedGen CN230736.

Allele frequency attached by ClinVar (database versions not stated): gnomAD 0.00001; gnomAD exomes 0.00005 and 0.00006; ExAC 0.00011; TOPMed 0.00002; 1000 Genomes Project 30x 0.00016; 1000 Genomes Project 0.00020.
gnomAD v4.1: 74 of 1,613,866 alleles (0.0046%); highest among the groups gnomAD compares: Non-Finnish European, 0.0058%; no homozygotes.

Submissions (6):

Molecular Diagnostic Laboratory for Inherited Cardiovascular Disease, Montreal Heart Institute
Classification: Uncertain significance for Cardiovascular phenotype. Last evaluated: 2026-09-21. Review status: criteria provided, single submitter. Criteria: ACMG Guidelines, 2015. Collection method: clinical testing. Allele origin: germline. Affected: yes.

Ambry Genetics
Classification: Uncertain significance for Cardiovascular phenotype. Last evaluated: 2025-03-23. Review status: criteria provided, single submitter. Criteria: Ambry Variant Classification Scheme 2023. Collection method: clinical testing. Allele origin: germline.
Comment: The p.R1159Q variant (also known as c.3476G>A), located in coding exon 21 of the FLNC gene, results from a G to A substitution at nucleotide position 3476. The arginine at codon 1159 is replaced by glutamine, an amino acid with highly similar properties. This amino acid position is conserved. In addition, this alteration is predicted to be tolerated by in silico analysis. Since supporting evidence is limited at this time, the clinical significance of this alteration remains unclear.

Labcorp Genetics (formerly Invitae), Labcorp
Classification: Uncertain significance for Distal myopathy with posterior leg and anterior hand involvement; Myofibrillar myopathy 5; Hypertrophic cardiomyopathy 26. Last evaluated: 2025-01-30. Review status: criteria provided, single submitter. Criteria: Invitae Variant Classification Sherloc (09022015). Collection method: clinical testing. Allele origin: germline.
Comment: This sequence change replaces arginine, which is basic and polar, with glutamine, which is neutral and polar, at codon 1159 of the FLNC protein (p.Arg1159Gln). This variant is present in population databases (rs141199483, gnomAD 0.01%), and has an allele count higher than expected for a pathogenic variant. This variant has not been reported in the literature in individuals affected with FLNC-related conditions. ClinVar contains an entry for this variant (Variation ID: 377889). Invitae Evidence Modeling of protein sequence and biophysical properties (such as structural, functional, and spatial information, amino acid conservation, physicochemical variation, residue mobility, and thermodynamic stability) has been performed for this missense variant. However, the output from this modeling did not meet the statistical confidence thresholds required to predict the impact of this variant on FLNC protein function. In summary, the available evidence is currently insufficient to determine the role of this variant in disease. Therefore, it has been classified as a Variant of Uncertain Significance.

Blueprint Genetics
Classification: Likely benign. Last evaluated: 2024-10-11. Review status: criteria provided, single submitter. Criteria: ACMG Guidelines, 2015. Collection method: clinical testing. Allele origin: germline.

GeneDx
Classification: Likely benign. Last evaluated: 2020-08-07. Review status: criteria provided, single submitter. Criteria: GeneDx Variant Classification Process June 2021. Collection method: clinical testing. Allele origin: germline. Affected: yes.
Comment: Has not been previously published as pathogenic or benign to our knowledge; In silico analysis supports that this missense variant does not alter protein structure/function

Revvity Omics, Revvity
Classification: Uncertain significance. Last evaluated: 2020-03-27. Review status: criteria provided, single submitter. Criteria: ACMG Guidelines, 2015. Collection method: clinical testing. Allele origin: germline.

NM_001458.5(FLNC):c.3476G>A (p.Arg1159Gln)

Gene: FLNC (filamin C; plus strand). Cytogenetic location: 7q32.1.
Variant type: single nucleotide variant.
Coding change: c.3476G>A on transcript NM_001458.5 (MANE Select); coding-DNA position 3476, G replaced by A.
Protein change: p.Arg1159Gln; replaces arginine 1159 with glutamine.
Molecular consequence: missense variant.
Genome position (GRCh38, 1-based): chr7:128,844,941, G>A. VCF-style: chr7-128844941-G-A. GRCh37 (hg19) VCF-style: chr7-128484995-G-A.
Other names: c.3476G>A, p.Arg1159Gln (NM_001127487.2); short protein forms R1159Q.
Identifiers: ClinVar variation 377889 (VCV000377889.33), dbSNP rs141199483, ClinGen allele CA4475052.